The following is an entry in ClinVar:

ClinVar aggregate classification (germline): Benign. Review status: criteria provided, multiple submitters, no conflicts (2 of 4 stars). 4 submissions from 4 submitters: Benign (3). 1 of the submissions does not count toward it. Last evaluated 2026-02-04.

Conditions:
GALNT2-related disorder. Also called: GALNT2-related condition.

Allele frequency attached by ClinVar (database versions not stated): ESP Exome Variant Server 0.09103; gnomAD 0.12309 and 0.12853; gnomAD exomes 0.15692 and 0.07923; ExAC 0.14519; 1000 Genomes Project 0.25359; TOPMed 0.15173; 1000 Genomes Project 30x 0.25250.
gnomAD v4.1: 136,325 of 1,613,822 alleles (8.4%); highest among the groups gnomAD compares: East Asian, 57%; 15,358 homozygotes.

Submissions (4):

Labcorp Genetics (formerly Invitae), Labcorp
Classification: Benign. Last evaluated: 2026-02-04. Review status: criteria provided, single submitter. Criteria: Invitae Variant Classification Sherloc (09022015). Collection method: clinical testing. Allele origin: germline.

Mayo Clinic Laboratories, Mayo Clinic
Classification: Benign. Last evaluated: 2022-03-10. Review status: criteria provided, single submitter. Criteria: ACMG Guidelines, 2015. Collection method: clinical testing. Allele origin: germline. Observed: 7 variant alleles.

Breakthrough Genomics
Classification: Benign. Review status: criteria provided, single submitter. Criteria: ACMG Guidelines, 2015. Collection method: not provided. Allele origin: germline. Inheritance: Autosomal recessive inheritance. Affected: yes.

PreventionGenetics, part of Exact Sciences
Classification: Benign for GALNT2-related condition. Last evaluated: 2019-10-18. Review status: no assertion criteria provided. Collection method: clinical testing. Allele origin: germline. Not counted in ClinVar's aggregate classification.
Comment: This variant is classified as benign based on ACMG/AMP sequence variant interpretation guidelines (Richards et al. 2015 PMID: 25741868, with internal and published modifications).

NM_004481.5(GALNT2):c.825T>C (p.Asp275=)

Gene: GALNT2 (polypeptide N-acetylgalactosaminyltransferase 2; plus strand). Cytogenetic location: 1q42.13.
Variant type: single nucleotide variant.
Coding change: c.825T>C on transcript NM_004481.5 (MANE Select); coding-DNA position 825, T replaced by C.
Protein change: p.Asp275=; no amino-acid change (aspartic acid 275 retained).
Molecular consequence: synonymous variant.
Genome position (GRCh38, 1-based): chr1:230,249,191, T>C. VCF-style: chr1-230249191-T-C. GRCh37 (hg19) VCF-style: chr1-230384937-T-C.
Other names: p.Asp275=; c.825T>C (NM_004481.4); c.711T>C, p.Asp237= (NM_001291866.2).
Identifiers: ClinVar variation 1599844 (VCV001599844.12), dbSNP rs3748006, ClinGen allele CA1446310.